The following is an entry in ClinVar:

NM_000414.4(HSD17B4):c.1310C>G (p.Ser437Cys)

Gene: HSD17B4 (hydroxysteroid 17-beta dehydrogenase 4; plus strand). Cytogenetic location: 5q23.1.
Variant type: single nucleotide variant.
Coding change: c.1310C>G on transcript NM_000414.4 (MANE Select); coding-DNA position 1310, C replaced by G.
Protein change: p.Ser437Cys; replaces serine 437 with cysteine.
Molecular consequence: missense variant. On other transcripts: non-coding transcript variant (2), intron variant (1).
Genome position (GRCh38, 1-based): chr5:119,506,866, C>G. VCF-style: chr5-119506866-C-G. GRCh37 (hg19) VCF-style: chr5-118842561-C-G.
Other names: c.1385C>G, p.Ser462Cys (NM_001199291.3); c.1256C>G, p.Ser419Cys (NM_001199292.2); c.1238C>G, p.Ser413Cys (NM_001292027.2); c.890C>G, p.Ser297Cys (NM_001292028.2); c.1301C>G, p.Ser434Cys (NM_001374497.1); c.983C>G, p.Ser328Cys (NM_001374499.1); c.869C>G, p.Ser290Cys (NM_001374500.1); c.899C>G, p.Ser300Cys (NM_001374501.1, NM_001374502.1, NM_001374503.1); and 1 more; short protein forms S290C, S297C, S300C, S328C, S413C, S419C, S434C, S437C.
Identifiers: ClinVar variation 3368234 (VCV003368234.2).

ClinVar aggregate classification (germline): Uncertain significance. Review status: criteria provided, multiple submitters, no conflicts (2 of 4 stars). 2 submissions from 2 submitters: Uncertain significance (2). Last evaluated 2025-05-29.

Conditions:
Inborn genetic diseases. Identifiers: MedGen C0950123, MeSH D030342.

gnomAD v4.1: 17 of 1,569,884 alleles (0.0011%); highest among the groups gnomAD compares: South Asian, 0.017%; no homozygotes.

Submissions (2):

Ambry Genetics
Classification: Uncertain significance for Inborn genetic diseases. Last evaluated: 2025-05-29. Review status: criteria provided, single submitter. Criteria: Ambry Variant Classification Scheme 2023. Collection method: clinical testing. Allele origin: germline.

GeneDx
Classification: Uncertain significance. Last evaluated: 2024-01-25. Review status: criteria provided, single submitter. Criteria: GeneDx Variant Classification Process June 2021. Collection method: clinical testing. Allele origin: germline. Affected: yes.
Comment: In silico analysis supports that this missense variant has a deleterious effect on protein structure/function; Has not been previously published as pathogenic or benign to our knowledge